The following is an entry in ClinVar:

ClinVar aggregate classification (germline): Uncertain significance. Review status: criteria provided, multiple submitters, no conflicts (2 of 4 stars). 2 submissions from 2 submitters: Uncertain significance (2). Last evaluated 2026-02-01.

Conditions:
Inborn genetic diseases. Identifiers: MedGen C0950123, MeSH D030342.

Allele frequency attached by ClinVar (database versions not stated): gnomAD 0.00001; TOPMed 0.00003; ExAC 0.00006; gnomAD exomes 0.00007.

Submissions (2):

Labcorp Genetics (formerly Invitae), Labcorp
Classification: Uncertain significance. Last evaluated: 2026-02-01. Review status: criteria provided, single submitter. Criteria: Invitae Variant Classification Sherloc (09022015). Collection method: clinical testing. Allele origin: germline.
Comment: This sequence change replaces alanine, which is neutral and non-polar, with threonine, which is neutral and polar, at codon 212 of the LTBP4 protein (p.Ala212Thr). This variant is present in population databases (rs769995443, gnomAD 0.05%). This variant has not been reported in the literature in individuals affected with LTBP4-related conditions. ClinVar contains an entry for this variant (Variation ID: 1437611). Experimental studies and prediction algorithms are not available or were not evaluated, and the functional significance of this variant is currently unknown. In summary, the available evidence is currently insufficient to determine the role of this variant in disease. Therefore, it has been classified as a Variant of Uncertain Significance.

Ambry Genetics
Classification: Uncertain significance for Inborn genetic diseases. Last evaluated: 2024-08-04. Review status: criteria provided, single submitter. Criteria: Ambry Variant Classification Scheme 2023. Collection method: clinical testing. Allele origin: germline.

NM_001042545.2(LTBP4):c.544G>A (p.Ala182Thr)

Gene: LTBP4 (latent transforming growth factor beta binding protein 4; plus strand). Cytogenetic location: 19q13.2.
Variant type: single nucleotide variant.
Coding change: c.544G>A on transcript NM_001042545.2 (MANE Select); coding-DNA position 544, G replaced by A.
Protein change: p.Ala182Thr; replaces alanine 182 with threonine.
Molecular consequence: missense variant.
Genome position (GRCh38, 1-based): chr19:40,605,506, G>A. VCF-style: chr19-40605506-G-A. GRCh37 (hg19) VCF-style: chr19-41111412-G-A.
Other names: c.745G>A, p.Ala249Thr (NM_001042544.1); c.634G>A, p.Ala212Thr (NM_003573.2); short protein forms A212T, A249T, A182T.
Identifiers: ClinVar variation 1437611 (VCV001437611.7), dbSNP rs769995443, ClinGen allele CA9448056.